The following is an entry in ClinVar:

NM_006514.4(SCN10A):c.752T>C (p.Ile251Thr)

Gene: SCN10A (sodium voltage-gated channel alpha subunit 10; minus strand). Cytogenetic location: 3p22.2.
Variant type: single nucleotide variant.
Coding change: c.752T>C on transcript NM_006514.4 (MANE Select); coding-DNA position 752, T replaced by C.
Protein change: p.Ile251Thr; replaces isoleucine 251 with threonine.
Molecular consequence: missense variant.
Genome position (GRCh38, 1-based): chr3:38,761,323, A>G on the plus strand (T>C on the coding strand, the complement: SCN10A is on the minus strand). VCF-style: chr3-38761323-A-G. GRCh37 (hg19) VCF-style: chr3-38802814-A-G.
Other names: c.752T>C, p.Ile251Thr (NM_001293306.2, NM_001293307.2); short protein forms I251T.
Identifiers: ClinVar variation 3225691 (VCV003225691.2), dbSNP rs2470808605, ClinGen allele CA352171748.

ClinVar aggregate classification (germline): Uncertain significance. Review status: criteria provided, multiple submitters, no conflicts (2 of 4 stars). 2 submissions from 2 submitters: Uncertain significance (2). Last evaluated 2025-09-26.

Conditions:
Brugada syndrome. Also called: Sudden unexplained nocturnal death syndrome; Sudden unexpected nocturnal death syndrome; Sudden Unexplained Death Syndrome; Sudden Unexplained Nocturnal Death Syndrome (SUNDS). Identifiers: Orphanet 130, MedGen C1142166, MONDO:0015263.
Cardiovascular phenotype. Identifiers: MedGen CN230736.

Submissions (2):

Labcorp Genetics (formerly Invitae), Labcorp
Classification: Uncertain significance for Brugada syndrome. Last evaluated: 2025-09-26. Review status: criteria provided, single submitter. Criteria: Invitae Variant Classification Sherloc (09022015). Collection method: clinical testing. Allele origin: germline.
Comment: This sequence change replaces isoleucine, which is neutral and non-polar, with threonine, which is neutral and polar, at codon 251 of the SCN10A protein (p.Ile251Thr). This variant is not present in population databases (gnomAD no frequency). This variant has not been reported in the literature in individuals affected with SCN10A-related conditions. ClinVar contains an entry for this variant (Variation ID: 3225691). Invitae Evidence Modeling of protein sequence and biophysical properties (such as structural, functional, and spatial information, amino acid conservation, physicochemical variation, residue mobility, and thermodynamic stability) indicates that this missense variant is not expected to disrupt SCN10A protein function with a negative predictive value of 80%. In summary, the available evidence is currently insufficient to determine the role of this variant in disease. Therefore, it has been classified as a Variant of Uncertain Significance.

Ambry Genetics
Classification: Uncertain significance for Cardiovascular phenotype. Last evaluated: 2023-12-01. Review status: criteria provided, single submitter. Criteria: Ambry Variant Classification Scheme 2023. Collection method: clinical testing. Allele origin: germline.
Comment: The p.I251T variant (also known as c.752T>C), located in coding exon 6 of the SCN10A gene, results from a T to C substitution at nucleotide position 752. The isoleucine at codon 251 is replaced by threonine, an amino acid with similar properties. This amino acid position is conserved. In addition, this alteration is predicted to be deleterious by in silico analysis. Since supporting evidence is limited at this time, the clinical significance of this alteration remains unclear.